The following is an entry in ClinVar:

NM_016292.3(TRAP1):c.1708+3C>T

Genes: DNASE1 (deoxyribonuclease 1; plus strand), TRAP1 (TNF receptor associated protein 1; minus strand). Cytogenetic location: 16p13.3.
Variant type: single nucleotide variant.
Coding change: c.1708+3C>T on transcript NM_016292.3 (MANE Select); 3 bases into the intron after coding-DNA position 1708, C replaced by T.
Molecular consequence: intron variant. On other transcripts: 3 prime UTR variant (1).
Genome position (GRCh38, 1-based): chr16:3,663,421, G>A on the plus strand (C>T on the coding strand, the complement: TRAP1 is on the minus strand). VCF-style: chr16-3663421-G-A. GRCh37 (hg19) VCF-style: chr16-3713422-G-A.
Other names: c.*797G>A (NM_001387140.1); c.1549+3C>T (NM_001272049.2).
Identifiers: ClinVar variation 2723566 (VCV002723566.3), dbSNP rs755380769, ClinGen allele CA7867963.

ClinVar aggregate classification (germline): Uncertain significance (1 of 4 stars; one submission).

Allele frequency attached by ClinVar (database versions not stated): ExAC 0.00003.
gnomAD v4.1: 85 of 1,613,906 alleles (0.0053%); highest among the groups gnomAD compares: South Asian, 0.019%; 1 homozygote.

Submission:

Labcorp Genetics (formerly Invitae), Labcorp
Classification: Uncertain significance. Last evaluated: 2024-10-23. Review status: criteria provided, single submitter. Criteria: Invitae Variant Classification Sherloc (09022015). Collection method: clinical testing. Allele origin: germline.
Comment: This sequence change falls in intron 14 of the TRAP1 gene. It does not directly change the encoded amino acid sequence of the TRAP1 protein. It affects a nucleotide within the consensus splice site. This variant is present in population databases (rs755380769, gnomAD 0.03%). This variant has not been reported in the literature in individuals affected with TRAP1-related conditions. Variants that disrupt the consensus splice site are a relatively common cause of aberrant splicing (PMID: 17576681, 9536098). Algorithms developed to predict the effect of sequence changes on RNA splicing suggest that this variant is not likely to affect RNA splicing. In summary, the available evidence is currently insufficient to determine the role of this variant in disease. Therefore, it has been classified as a Variant of Uncertain Significance.

Literature cited by the submitters: PubMed 17576681; PubMed 9536098.